The following is an entry in ClinVar:

ClinVar aggregate classification (germline): Uncertain significance (1 of 4 stars; one submission).

Conditions:
Autosomal dominant epilepsy with auditory features. Identifiers: Orphanet 101046, MedGen C1838062, MONDO:0010898.

Allele frequency attached by ClinVar (database versions not stated): gnomAD exomes below 0.00001.
gnomAD v4.1: 5 of 1,608,802 alleles (0.00031%); highest among the groups gnomAD compares: Non-Finnish European, 0.00034%; no homozygotes.

Submission:

Labcorp Genetics (formerly Invitae), Labcorp
Classification: Uncertain significance for Autosomal dominant epilepsy with auditory features. Last evaluated: 2022-11-15. Review status: criteria provided, single submitter. Criteria: Invitae Variant Classification Sherloc (09022015). Collection method: clinical testing. Allele origin: germline.
Comment: This sequence change falls in intron 1 of the LGI1 gene. It does not directly change the encoded amino acid sequence of the LGI1 protein. It affects a nucleotide within the consensus splice site. This variant is not present in population databases (gnomAD no frequency). In summary, the available evidence is currently insufficient to determine the role of this variant in disease. Therefore, it has been classified as a Variant of Uncertain Significance. Variants that disrupt the consensus splice site are a relatively common cause of aberrant splicing (PMID: 17576681, 9536098). Algorithms developed to predict the effect of sequence changes on RNA splicing suggest that this variant is not likely to affect RNA splicing. ClinVar contains an entry for this variant (Variation ID: 964617). This variant has not been reported in the literature in individuals affected with LGI1-related conditions.

Literature cited by the submitters: PubMed 17576681; PubMed 9536098.

NM_005097.4(LGI1):c.216-3C>T

Gene: LGI1 (leucine rich glioma inactivated 1; plus strand). Cytogenetic location: 10q23.33.
Variant type: single nucleotide variant.
Coding change: c.216-3C>T on transcript NM_005097.4 (MANE Select); 3 bases into the intron before coding-DNA position 216, C replaced by T.
Molecular consequence: intron variant.
Genome position (GRCh38, 1-based): chr10:93,758,757, C>T. VCF-style: chr10-93758757-C-T. GRCh37 (hg19) VCF-style: chr10-95518514-C-T.
Other names: c.216-3C>T (NM_001308275.2, NM_001308276.2).
Identifiers: ClinVar variation 964617 (VCV000964617.11), dbSNP rs1461103422, ClinGen allele CA595280130.